The following is an entry in ClinVar:

ClinVar aggregate classification (germline): Conflicting classifications of pathogenicity. Review status: criteria provided, conflicting classifications (1 of 4 stars). 2 submissions from 2 submitters: Likely pathogenic (1); Uncertain significance (1). Last evaluated 2020-10-19.

Conditions:
Long QT syndrome 2 (LQT2). Identifiers: Orphanet 101016, Orphanet 768, MedGen C3150943, MONDO:0013367, OMIM 613688.
Long QT syndrome 1 (LQT1). Identifiers: Orphanet 101016, Orphanet 768, MedGen C4551647, MONDO:0100316, OMIM 192500, MONDO:0008646.

Submissions (2):

Victorian Clinical Genetics Services, Murdoch Childrens Research Institute
Classification: Uncertain significance for Long QT syndrome 2. Last evaluated: 2020-10-19. Review status: criteria provided, single submitter. Criteria: ACMG Guidelines, 2015. Collection method: clinical testing. Allele origin: germline. Inheritance: Autosomal dominant inheritance. Affected: yes.
Comment: Based on the classification scheme VCGS_Germline_v1.1.1, this variant is classified as VUS - 3A. Following criteria are met: 0103 - Both loss- and gain-of-function are known mechanisms of disease for this gene. Variants predicted to undergo nonsense-mediated decay have a loss of function mechanism, while missense have been reported to have a dominant negative, and both loss and gain of function effects on protein function (OMIM, PMID: 10753933, PMID: 21777565). (N) 0104 - Dominant Negative is a mechanism of disease for this gene. (N) 0107 - This gene is known to be associated with autosomal dominant disease. Loss of function and dominant negative mutations cause Long QT syndrome, while gain of function mutations cause Short QT syndrome (OMIM, PMID: 10753933, PMID: 21777565). (N) 0200 - Variant is predicted to result in a missense amino acid change from leucine to proline (exon 7). (N) 0251 - Variant is heterozygous. (N) 0301 - Variant is absent from gnomAD. (P) 0501 - Missense variant consistently predicted to be damaging by multiple in silico tools or highly conserved with a major amino acid change. (P) 0601 - Variant affects at least one well-established (essential) functional domain or motif. This variant is present in the S4 region of the ion transporter domain. Functional studies on alternative missense changes of this residue (p.Leu532Trp, p.Leu532Ser) impaired deactivation rate and decreased the equilibrium constant (PMID: 23980196, PMID: 16166152). (P) 0705 - No comparable variants have previous evidence for pathogenicity. (N) 0807 - Variant has not previously been reported in a clinical context. (N) 0905 - No segregation evidence has been identified for this variant. (N) 1002 - Moderate functional evidence supporting abnormal protein function. Transfected HEK293 cells demonstrate a positive shift in inactivation and activation voltage and faster current repolarization (PMID: 21777565). (P) 1208 - Inheritance information for this variant is not currently available. (N) Legend: (P) - Pathogenic, (N) - Neutral, (B) - Benign

Molecular Diagnostic Laboratory for Inherited Cardiovascular Disease, Montreal Heart Institute
Classification: Likely pathogenic for Long QT syndrome 1. Last evaluated: 2019-01-08. Review status: criteria provided, single submitter. Criteria: ACMG Guidelines, 2015. Collection method: clinical testing. Allele origin: germline. Affected: yes.

Literature cited by the submitters: PubMed 10753933 (cited by Victorian Clinical Genetics Services, Murdoch Childrens Research Institute); PubMed 16166152 (cited by Victorian Clinical Genetics Services, Murdoch Childrens Research Institute); PubMed 21777565 (cited by Victorian Clinical Genetics Services, Murdoch Childrens Research Institute); PubMed 23980196 (cited by Victorian Clinical Genetics Services, Murdoch Childrens Research Institute).

NM_000238.4(KCNH2):c.1595T>C (p.Leu532Pro)

Gene: KCNH2 (potassium voltage-gated channel subfamily H member 2; minus strand). Cytogenetic location: 7q36.1.
Variant type: single nucleotide variant.
Coding change: c.1595T>C on transcript NM_000238.4 (MANE Select); coding-DNA position 1595, T replaced by C.
Protein change: p.Leu532Pro; replaces leucine 532 with proline.
Molecular consequence: missense variant.
Genome position (GRCh38, 1-based): chr7:150,951,798, A>G on the plus strand (T>C on the coding strand, the complement: KCNH2 is on the minus strand). VCF-style: chr7-150951798-A-G. GRCh37 (hg19) VCF-style: chr7-150648886-A-G.
Other names: c.575T>C, p.Leu192Pro (NM_001204798.2, NM_172057.3); c.1307T>C, p.Leu436Pro (NM_001406753.1, NM_001406756.1); c.1418T>C, p.Leu473Pro (NM_001406755.1); c.1295T>C, p.Leu432Pro (NM_001406757.1); c.1595T>C, p.Leu532Pro (NM_172056.3); short protein forms L192P, L532P, L432P, L473P, L436P.
Identifiers: ClinVar variation 978356 (VCV000978356.5), dbSNP rs1801182500, ClinGen allele CA369859167.